The following is an entry in ClinVar:

ClinVar aggregate classification (germline): Conflicting classifications of pathogenicity. Review status: criteria provided, conflicting classifications (1 of 4 stars). 2 submissions from 2 submitters: Uncertain significance (1); Likely benign (1). Last evaluated 2023-09-07.

Submissions (2):

GeneDx
Classification: Uncertain significance. Last evaluated: 2023-09-07. Review status: criteria provided, single submitter. Criteria: GeneDx Variant Classification Process June 2021. Collection method: clinical testing. Allele origin: germline. Affected: yes.
Comment: Not observed at significant frequency in large population cohorts (gnomAD); Nucleotide substitution has no predicted effect on splicing and is not conserved across species; In silico analysis supports that this variant does not alter splicing; This variant is associated with the following publications: (PMID: 12036970)

Labcorp Genetics (formerly Invitae), Labcorp
Classification: Likely benign. Last evaluated: 2022-06-20. Review status: criteria provided, single submitter. Criteria: Invitae Variant Classification Sherloc (09022015). Collection method: clinical testing. Allele origin: germline.

NM_130837.3(OPA1):c.2873-10C>G

Gene: OPA1 (OPA1 mitochondrial dynamin like GTPase; plus strand). Cytogenetic location: 3q29.
Variant type: single nucleotide variant.
Coding change: c.2873-10C>G on transcript NM_130837.3 (MANE Select); 10 bases into the intron before coding-DNA position 2873, C replaced by G.
Molecular consequence: intron variant.
Genome position (GRCh38, 1-based): chr3:193,667,160, C>G. VCF-style: chr3-193667160-C-G. GRCh37 (hg19) VCF-style: chr3-193384949-C-G.
Other names: c.2336-10C>G (NM_001354664.2); c.2339-10C>G (NM_001354663.2); c.2762-10C>G (NM_130834.3); c.2819-10C>G (NM_130836.3); c.2708-10C>G (NM_015560.3); c.2765-10C>G (NM_130835.3); c.2654-10C>G (NM_130832.3); c.2711-10C>G (NM_130833.3); and 1 more.
Identifiers: ClinVar variation 1628379 (VCV001628379.9), dbSNP rs2109277041, ClinGen allele CA2573136894.